The following is an entry in ClinVar:

ClinVar aggregate classification (germline): Uncertain significance (1 of 4 stars; one submission).

Conditions:
Hereditary spastic paraplegia 11. Also called: Spastic Paraplegia 11; Spastic paraplegia, mental retardation and thin corpus callosum; Nakamura Osame syndrome; Autosomal recessive hereditary spastic paraplegia, mental impairment, and thin corpus callosum; SPASTIC PARAPLEGIA, AUTOSOMAL RECESSIVE, COMPLICATED, WITH THIN CORPUS CALLOSUM; SPASTIC PARAPLEGIA, AUTOSOMAL RECESSIVE, WITH MENTAL IMPAIRMENT AND THIN CORPUS CALLOSUM. Identifiers: Orphanet 2822, MedGen C1858479, MONDO:0011445, OMIM 604360.

Allele frequency attached by ClinVar (database versions not stated): TOPMed below 0.00001; gnomAD exomes 0.00001.
gnomAD v4.1: 6 of 1,614,064 alleles (0.00037%); highest among the groups gnomAD compares: Non-Finnish European, 0.00051%; no homozygotes.

Submission:

Labcorp Genetics (formerly Invitae), Labcorp
Classification: Uncertain significance for Hereditary spastic paraplegia 11. Last evaluated: 2022-03-30. Review status: criteria provided, single submitter. Criteria: Invitae Variant Classification Sherloc (09022015). Collection method: clinical testing. Allele origin: germline.
Comment: This sequence change replaces threonine, which is neutral and polar, with arginine, which is basic and polar, at codon 2094 of the SPG11 protein (p.Thr2094Arg). This variant is not present in population databases (gnomAD no frequency). This variant has not been reported in the literature in individuals affected with SPG11-related conditions. Algorithms developed to predict the effect of missense changes on protein structure and function are either unavailable or do not agree on the potential impact of this missense change (SIFT: "Deleterious"; PolyPhen-2: "Probably Damaging"; Align-GVGD: "Class C15"). In summary, the available evidence is currently insufficient to determine the role of this variant in disease. Therefore, it has been classified as a Variant of Uncertain Significance.

NM_025137.4(SPG11):c.6281C>G (p.Thr2094Arg)

Gene: SPG11 (SPG11 vesicle trafficking associated, spatacsin; minus strand). Cytogenetic location: 15q21.1.
Variant type: single nucleotide variant.
Coding change: c.6281C>G on transcript NM_025137.4 (MANE Select); coding-DNA position 6281, C replaced by G.
Protein change: p.Thr2094Arg; replaces threonine 2094 with arginine.
Molecular consequence: missense variant.
Genome position (GRCh38, 1-based): chr15:44,572,745, G>C on the plus strand (C>G on the coding strand, the complement: SPG11 is on the minus strand). VCF-style: chr15-44572745-G-C. GRCh37 (hg19) VCF-style: chr15-44864943-G-C.
Other names: c.5942C>G, p.Thr1981Arg (NM_001160227.2); c.6137C>G, p.Thr2046Arg (NM_001411132.1); short protein forms T2046R, T2094R, T1981R.
Identifiers: ClinVar variation 2113758 (VCV002113758.1), dbSNP rs904581679, ClinGen allele CA270068724.